The following is an entry in ClinVar:

ClinVar aggregate classification (germline): Uncertain significance (1 of 4 stars; one submission).

Submission:

Women's Health and Genetics/Laboratory Corporation of America, LabCorp
Classification: Uncertain significance. Last evaluated: 2025-05-13. Review status: criteria provided, single submitter. Criteria: LabCorp Variant Classification Summary - May 2015. Collection method: clinical testing. Allele origin: germline.
Comment: Variant summary: The variant involves the duplication of exons 1-4 in the NPC1 gene. A presumed nomenclature of c.(?_-164)_(463+1_464-1)dup has been designated for the purposes of this classification. The exact breakpoint at the 5' end of this variant is unknown, therefore this duplication may extend upstream of the annotated region of this gene. It is predicted to duplicate a segment including the initiation codon, therefore its impact on the encoded protein is unknown. The variant was absent in 21694 control chromosomes (gnomAD, structural variants dataset). The available data on variant occurrences in the general population are insufficient to allow any conclusion about variant significance. To our knowledge, no occurrence of c.(?_-164)_(463+1_464-1)dup in individuals affected with Niemann-Pick disease, type C1 and no experimental evidence demonstrating its impact on protein function have been reported. No submitters have cited clinical-significance assessments for this variant to ClinVar. Based on the evidence outlined above, the variant was classified as uncertain significance.

NC_000018.9:g.(21141492_21148786)_(21166471_?)dup

Gene: NPC1 (NPC intracellular cholesterol transporter 1; minus strand). Cytogenetic location: 18q11.2.
Variant type: Duplication.
Identifiers: ClinVar variation 3902239 (VCV003902239.1).